The following is an entry in ClinVar:

NM_001457.4(FLNB):c.*200C>T

Gene: FLNB (filamin B; plus strand). Cytogenetic location: 3p14.3.
Variant type: single nucleotide variant.
Coding change: c.*200C>T on transcript NM_001457.4 (MANE Select); 200 bases downstream of the stop codon, C replaced by T.
Molecular consequence: 3 prime UTR variant.
Genome position (GRCh38, 1-based): chr3:58,170,962, C>T. VCF-style: chr3-58170962-C-T. GRCh37 (hg19) VCF-style: chr3-58156689-C-T.
Other names: c.*200C>T (NM_001164317.2, NM_001164318.2, NM_001164319.2).
Identifiers: ClinVar variation 346369 (VCV000346369.6), dbSNP rs9880144, ClinGen allele CA10617205.
Genomic context (GRCh38, chr3:58,170,962, plus strand): 5'-AGAAATAAGTCCTAGACTGGACTCTTGAGGGACATATTGGAGAATCTTAAGAAATGCAAG[C>T]TTGTTCAGGGGGCTGAGAAGATCCTGAGTACACTAGGTGCAAACCAGAACTCTTGGTGGA-3'

ClinVar aggregate classification (germline): Benign. Review status: criteria provided, multiple submitters, no conflicts (2 of 4 stars). 2 submissions from 2 submitters: Benign (2). Last evaluated 2019-05-19.

Conditions:
FLNB-Related Spectrum Disorders.

Allele frequency attached by ClinVar (database versions not stated): gnomAD 0.02141 and 0.02304; 1000 Genomes Project 0.02216; TOPMed 0.02464; 1000 Genomes Project 30x 0.02498.
gnomAD v4.1: 4,496 of 586,056 alleles (0.77%); highest among the groups gnomAD compares: African/African-American, 7.3%; 147 homozygotes.

Submissions (2):

GeneDx
Classification: Benign. Last evaluated: 2019-05-19. Review status: criteria provided, single submitter. Criteria: GeneDx Variant Classification Process June 2021. Collection method: clinical testing. Allele origin: germline. Affected: yes.

Illumina Laboratory Services, Illumina
Classification: Benign for FLNB-Related Spectrum Disorders. Last evaluated: 2018-01-13. Review status: criteria provided, single submitter. Criteria: ICSL Variant Classification Criteria 13 December 2019. Collection method: clinical testing. Allele origin: germline.
Comment: This variant was observed in the ICSL laboratory as part of a predisposition screen in an ostensibly healthy population. It had not been previously curated by ICSL or reported in the Human Gene Mutation Database (HGMD: prior to June 1st, 2018), and was therefore a candidate for classification through an automated scoring system. Utilizing variant allele frequency, disease prevalence and penetrance estimates, and inheritance mode, an automated score was calculated to assess if this variant is too frequent to cause the disease. Based on the score and internal cut-off values, a variant classified as benign is not then subjected to further curation. The score for this variant resulted in a classification of benign for this disease.